The following continues an entry in ClinVar:

NM_024675.4(PALB2):c.656A>G (p.Asp219Gly)

Gene: PALB2. ClinVar aggregate classification (germline): Conflicting classifications of pathogenicity. Uncertain significance (6); Likely benign (12).

Submissions 15 to 20 of 20:

Division of Medical Genetics, University of Washington
Classification: Uncertain significance for Familial cancer of breast. Last evaluated: 2019-07-17. Review status: criteria provided, single submitter. Criteria: ACMG Guidelines, 2015. Collection method: clinical testing. Allele origin: germline. Affected: no. Study: CSER_CHARM.
Comment: The c.656A>G variant has been reported in multiple individuals with breast cancer (Rahman 2007, Guenard 2010, Blanco 2013, Thompson 2015, Tung 2016), as well as healthy individuals and an individual with breast cancer who also has a BRCA2 pathogenic variant (Dansonka-Mieszkowska 2010, Ramus 2015, Tung 2016). The c.656A>G variant has an overall allele frequency of 0.0002 in the Broad Institute gnomAD Browser. In silico analyses indicate that this variant does not alter protein structure/function. Thus, it is unknown at this time whether this variant increases cancer risk.

Ambry Genetics
Classification: Likely benign for Hereditary cancer-predisposing syndrome. Last evaluated: 2018-12-31. Review status: criteria provided, single submitter. Criteria: Ambry Variant Classification Scheme 2023. Collection method: clinical testing. Allele origin: germline.

Color Diagnostics, LLC DBA Color Health
Classification: Likely benign for Hereditary cancer-predisposing syndrome. Last evaluated: 2016-05-03. Review status: criteria provided, single submitter. Criteria: ACMG Guidelines, 2015. Collection method: clinical testing. Allele origin: germline.

Cancer Genetics Laboratory, Peter MacCallum Cancer Centre
Classification: Uncertain significance for Familial cancer of breast. Last evaluated: 2015-06-01. Review status: criteria provided, single submitter. Criteria: Thompson et al. (Breast Cancer Res. 2015). Collection method: case-control. Allele origin: germline. Affected: yes. Observed: 1 variant allele, 1 heterozygote.

Leiden Open Variation Database
Classification: Likely benign for Familial cancer of breast. Last evaluated: 2019-05-13. Review status: no assertion criteria provided. Collection method: curation. Allele origin: germline. Affected: yes. Not counted in ClinVar's aggregate classification.
Comment: Curators: Marc Tischkowitz, Arleen D. Auerbach. Submitter to LOVD: Marc Tischkowitz.

True Health Diagnostics
Classification: Likely benign for Hereditary cancer-predisposing syndrome. Last evaluated: 2018-06-15. Review status: no assertion criteria provided. Collection method: clinical testing. Allele origin: germline. Not counted in ClinVar's aggregate classification.

Literature cited by the submitters: PubMed 23555315 (cited by Women's Health and Genetics/Laboratory Corporation of America, LabCorp and Quest Diagnostics Nichols Institute San Juan Capistrano); PubMed 17200668 (cited by 4 submitters); PubMed 20122277 (cited by 4 submitters); PubMed 23935836 (cited by 4 submitters); PubMed 21618343 (cited by 4 submitters); PubMed 23448497 (cited by 4 submitters); PubMed 26283626 (cited by 4 submitters); PubMed 26315354 (cited by 3 submitters); PubMed 25186627 (cited by 3 submitters); PubMed 26564480 (cited by 3 submitters); PubMed 19763884 (cited by 3 submitters); PubMed 27621404 (cited by Women's Health and Genetics/Laboratory Corporation of America, LabCorp and Quest Diagnostics Nichols Institute San Juan Capistrano); PubMed 27153395 (cited by Women's Health and Genetics/Laboratory Corporation of America, LabCorp and Quest Diagnostics Nichols Institute San Juan Capistrano); PubMed 28678401 (cited by Women's Health and Genetics/Laboratory Corporation of America, LabCorp and Quest Diagnostics Nichols Institute San Juan Capistrano); PubMed 31422574 (cited by Women's Health and Genetics/Laboratory Corporation of America, LabCorp and Quest Diagnostics Nichols Institute San Juan Capistrano); PubMed 32098121 (cited by Women's Health and Genetics/Laboratory Corporation of America, LabCorp and Quest Diagnostics Nichols Institute San Juan Capistrano); PubMed 26976419 (cited by Quest Diagnostics Nichols Institute San Juan Capistrano and Department of Pathology and Laboratory Medicine, Sinai Health System); PubMed 30447919 (cited by Quest Diagnostics Nichols Institute San Juan Capistrano); PubMed 34326862 (cited by Quest Diagnostics Nichols Institute San Juan Capistrano); PubMed 35264596 (cited by Quest Diagnostics Nichols Institute San Juan Capistrano); PubMed 35534704 (cited by Quest Diagnostics Nichols Institute San Juan Capistrano); PubMed 37937776 (cited by Quest Diagnostics Nichols Institute San Juan Capistrano); PubMed 20722467 (cited by Quest Diagnostics Nichols Institute San Juan Capistrano and Department of Pathology and Laboratory Medicine, Sinai Health System); PubMed 33471991 (cited by Quest Diagnostics Nichols Institute San Juan Capistrano and Department of Pathology and Laboratory Medicine, Sinai Health System); PubMed 38874686 (cited by Quest Diagnostics Nichols Institute San Juan Capistrano); PubMed 28779002 (cited by Quest Diagnostics Nichols Institute San Juan Capistrano); PubMed 25085752 (cited by Myriad Genetics, Inc.).